The following is an entry in ClinVar:

ClinVar aggregate classification (germline): Pathogenic (1 of 4 stars; one submission).

Conditions:
Primary ciliary dyskinesia. Also called: Ciliary dyskinesia. Identifiers: Orphanet 244, MedGen C0008780, MONDO:0016575, HP:0012265.

Submission:

Labcorp Genetics (formerly Invitae), Labcorp
Classification: Pathogenic for Primary ciliary dyskinesia. Last evaluated: 2025-10-14. Review status: criteria provided, single submitter. Criteria: Invitae Variant Classification Sherloc (09022015). Collection method: clinical testing. Allele origin: germline.
Comment: This sequence change creates a premature translational stop signal (p.Leu2480Argfs*70) in the DNAH5 gene. It is expected to result in an absent or disrupted protein product. Loss-of-function variants in DNAH5 are known to be pathogenic (PMID: 11788826, 16627867). This variant is not present in population databases (gnomAD no frequency). This premature translational stop signal has been observed in individual(s) with clinical features of primary ciliary dyskinesia (internal data). ClinVar contains an entry for this variant (Variation ID: 1073095). For these reasons, this variant has been classified as Pathogenic.

Literature cited by the submitters: PubMed 11788826; PubMed 16627867.

NM_001369.3(DNAH5):c.7437_7450del (p.Leu2480fs)

Gene: DNAH5 (dynein axonemal heavy chain 5; minus strand). Cytogenetic location: 5p15.2.
Variant type: Deletion.
Coding change: c.7437_7450del on transcript NM_001369.3 (MANE Select); coding-DNA positions 7437 to 7450, 14 bases deleted (CCTGGGGCGGCTGT).
Protein change: p.Leu2480fs; shifts the reading frame from leucine 2480.
Molecular consequence: frameshift variant.
Genome position (GRCh38, 1-based): chr5:13,810,218-13,810,231, ACAGCCGCCCCAGG deleted on the plus strand (CCTGGGGCGGCTGT on the coding strand, the reverse complement: DNAH5 is on the minus strand). VCF-style (leftmost placement, unchanged base first): chr5-13810217-AACAGCCGCCCCAGG-A. GRCh37 (hg19) VCF-style: chr5-13810326-AACAGCCGCCCCAGG-A.
Other names: short protein forms L2480fs.
Identifiers: ClinVar variation 1073095 (VCV001073095.5), dbSNP rs2127015228, ClinGen allele CA2499217619.
Genomic context (GRCh38, chr5:13,810,217, plus strand): 5'-AGGCGGCGCCGTCCGTCCAGCTCCAGCGCCGCCCCCGCGCTCCACAGCAGCGCGAACACG[AACAGCCGCCCCAGG>A]TGAGCCTGGCTCACCTCCCCGCCTTGCTCCTGAGAAGGAAAGACACTTTTTTTTAATAAC-3'